The following is an entry in ClinVar:

ClinVar aggregate classification (germline): Likely pathogenic (1 of 4 stars; one submission).

Conditions:
Congenital disorder of deglycosylation 1. Also called: NGLY1-deficiency; NGLY1-Related Congenital Disorder of Deglycosylation. Identifiers: Orphanet 404454, MedGen CN306977, MONDO:0800044, OMIM 615273.

Submission:

3billion
Classification: Likely pathogenic for Congenital disorder of deglycosylation 1. Last evaluated: 2023-09-05. Review status: criteria provided, single submitter. Criteria: ACMG Guidelines, 2015. Collection method: clinical testing. Allele origin: germline. Affected: yes.
Comment: The variant is not observed in the gnomAD v2.1.1 dataset. Predicted Consequence/Location: Frameshift: predicted to result in a loss or disruption of normal protein function through nonsense-mediated decay (NMD) or protein truncation. Multiple pathogenic variants are reported downstream of the variant. Therefore, this variant is classified as Likely pathogenic according to the recommendation of ACMG/AMP guideline.

NM_018297.4(NGLY1):c.159del (p.Ile54fs)

Gene: NGLY1 (N-glycanase 1; minus strand). Cytogenetic location: 3p24.2.
Variant type: Deletion.
Coding change: c.159del on transcript NM_018297.4 (MANE Select); coding-DNA position 159, one base deleted (C; older notation c.159delC).
Protein change: p.Ile54fs; shifts the reading frame from isoleucine 54.
Molecular consequence: frameshift variant.
Genome position (GRCh38, 1-based): chr3:25,778,661, G deleted on the plus strand (C on the coding strand, the reverse complement: NGLY1 is on the minus strand); the first of 2 consecutive G bases (chr3:25,778,661-25,778,662); deleting either gives the same sequence. VCF-style (leftmost placement, unchanged base first): chr3-25778660-TG-T. GRCh37 (hg19) VCF-style: chr3-25820151-TG-T.
Other names: c.159del, p.Ile54fs (NM_001145293.2, NM_001145295.2); c.33del, p.Ile12fs (NM_001145294.2); short protein forms I12fs, I54fs.
Identifiers: ClinVar variation 3775493 (VCV003775493.1).